The following is an entry in ClinVar:

NM_000117.3(EMD):c.208G>A (p.Asp70Asn)

Gene: EMD (emerin; plus strand). Cytogenetic location: Xq28.
Variant type: single nucleotide variant.
Coding change: c.208G>A on transcript NM_000117.3 (MANE Select); coding-DNA position 208, G replaced by A.
Protein change: p.Asp70Asn; replaces aspartic acid 70 with asparagine.
Molecular consequence: missense variant.
Genome position (GRCh38, 1-based): chrX:154,379,962, G>A. VCF-style: chrX-154379962-G-A. GRCh37 (hg19) VCF-style: chrX-153608322-G-A.
Other names: short protein forms D70N.
Identifiers: ClinVar variation 3707556 (VCV003707556.2).

ClinVar aggregate classification (germline): Uncertain significance (1 of 4 stars; one submission).

Conditions:
X-linked Emery-Dreifuss muscular dystrophy. Also called: Muscular dystrophy, tardive Emery-Dreifuss type, with contractures. Identifiers: Orphanet 261, Orphanet 98863, MedGen C0751337, MONDO:0010680.

Submission:

Labcorp Genetics (formerly Invitae), Labcorp
Classification: Uncertain significance for X-linked Emery-Dreifuss muscular dystrophy. Last evaluated: 2024-10-24. Review status: criteria provided, single submitter. Criteria: Invitae Variant Classification Sherloc (09022015). Collection method: clinical testing. Allele origin: germline.
Comment: This sequence change replaces aspartic acid, which is acidic and polar, with asparagine, which is neutral and polar, at codon 70 of the EMD protein (p.Asp70Asn). This variant is not present in population databases (gnomAD no frequency). This variant has not been reported in the literature in individuals affected with EMD-related conditions. Invitae Evidence Modeling of protein sequence and biophysical properties (such as structural, functional, and spatial information, amino acid conservation, physicochemical variation, residue mobility, and thermodynamic stability) indicates that this missense variant is not expected to disrupt EMD protein function with a negative predictive value of 80%. In summary, the available evidence is currently insufficient to determine the role of this variant in disease. Therefore, it has been classified as a Variant of Uncertain Significance.